The following is an entry in ClinVar:

ClinVar aggregate classification (germline): Likely benign (1 of 4 stars; one submission).

gnomAD v4.1: 5,104 of 1,585,568 alleles (0.32%); highest among the groups gnomAD compares: Middle Eastern, 0.55%; 14 homozygotes.

Submission:

CeGaT Center for Human Genetics Tuebingen
Classification: Likely benign. Last evaluated: 2024-09-01. Review status: criteria provided, single submitter. Criteria: CeGaT Center For Human Genetics Tuebingen Variant Classification Criteria Version 2. Collection method: clinical testing. Allele origin: germline. Affected: yes. Observed: 1 variant allele.
Comment: WDR90: BP4, BS2

NM_145294.5(WDR90):c.4084C>T (p.Arg1362Trp)

Gene: WDR90 (WD repeat domain 90; plus strand). Cytogenetic location: 16p13.3.
Variant type: single nucleotide variant.
Coding change: c.4084C>T on transcript NM_145294.5 (MANE Select); coding-DNA position 4084, C replaced by T.
Protein change: p.Arg1362Trp; replaces arginine 1362 with tryptophan.
Molecular consequence: missense variant.
Genome position (GRCh38, 1-based): chr16:662,270, C>T. VCF-style: chr16-662270-C-T. GRCh37 (hg19) VCF-style: chr16-712270-C-T.
Other names: short protein forms R1362W.
Identifiers: ClinVar variation 3388083 (VCV003388083.14).
Genomic context (GRCh38, chr16:662,270, plus strand): 5'-CTGCCCCTAGGGCTGTTGCTGTTCTCGGGTTCTCGATTGGTCAGCGGCAGCAGCACGGGG[C>T]GGCTGCGCCTGTGGGCCGTGGGGGCTGTGTCGGAGCTGAGGTGCAAGGGCTCAGGCGCCA-3'
Protein context (NP_660337.3, residues 1352-1372): SRLVSGSSTG[Arg1362Trp]LRLWAVGAVS